The following is an entry in ClinVar:

ClinVar aggregate classification (germline): Conflicting classifications of pathogenicity. Review status: criteria provided, conflicting classifications (1 of 4 stars). 3 submissions from 3 submitters: Uncertain significance (2); Likely benign (1). Last evaluated 2024-02-23.

Conditions:
Chuvash polycythemia. Also called: POLYCYTHEMIA, VHL-DEPENDENT. Identifiers: Orphanet 238557, MedGen C1837915, MONDO:0009892, OMIM 263400.
Von Hippel-Lindau syndrome (VHLS). Also called: von Hippel–Lindau syndrome; Von Hippel-Lindau; VHL syndrome. Identifiers: Orphanet 892, MedGen C0019562, MONDO:0008667, OMIM 193300. Disease mechanism: loss of function.
Hereditary cancer-predisposing syndrome. Also called: Hereditary neoplastic syndrome; Neoplastic Syndromes, Hereditary; Tumor predisposition; Hereditary Cancer Syndrome. Identifiers: Orphanet 140162, MedGen C0027672, MeSH D009386, MONDO:0015356.

Allele frequency attached by ClinVar (database versions not stated): TOPMed 0.00001.
gnomAD v4.1: 2 of 1,563,522 alleles (0.00013%); highest among the groups gnomAD compares: African/African-American, 0.0027%; no homozygotes.

Submissions (3):

Labcorp Genetics (formerly Invitae), Labcorp
Classification: Uncertain significance for Von Hippel-Lindau syndrome; Chuvash polycythemia. Last evaluated: 2024-02-23. Review status: criteria provided, single submitter. Criteria: Invitae Variant Classification Sherloc (09022015). Collection method: clinical testing. Allele origin: germline.
Comment: This sequence change replaces glycine, which is neutral and non-polar, with aspartic acid, which is acidic and polar, at codon 44 of the VHL protein (p.Gly44Asp). This variant is not present in population databases (gnomAD no frequency). This variant has not been reported in the literature in individuals affected with VHL-related conditions. ClinVar contains an entry for this variant (Variation ID: 1004248). Advanced modeling of protein sequence and biophysical properties (such as structural, functional, and spatial information, amino acid conservation, physicochemical variation, residue mobility, and thermodynamic stability) performed at Invitae indicates that this missense variant is not expected to disrupt VHL protein function with a negative predictive value of 95%. In summary, the available evidence is currently insufficient to determine the role of this variant in disease. Therefore, it has been classified as a Variant of Uncertain Significance.

Ambry Genetics
Classification: Likely benign for Hereditary cancer-predisposing syndrome. Last evaluated: 2023-05-15. Review status: criteria provided, single submitter. Criteria: Ambry Variant Classification Scheme 2023. Collection method: clinical testing. Allele origin: germline.

Sema4
Classification: Uncertain significance for Hereditary cancer-predisposing syndrome. Last evaluated: 2021-12-01. Review status: criteria provided, single submitter. Criteria: Sema4 Curation Guidelines. Collection method: curation. Allele origin: germline.
Comment: The VHL c.131G>A (p.G44D) variant has been reported in heterozygosity in at least one individual being evaluated for von Hippel-Lindau (PMID: 30943211). It was not observed in the large and broad cohorts of the Genome Aggregation Database. The variant has been reported in ClinVar (Variation ID 1004248). Functional studies have not been performed, and in silico predictions of the variant's effect on protein function are inconclusive. The evidence is insufficient to meet ACMG/AMP criteria for classifying the variant as benign or pathogenic. Thus, the clinical significance of this variant is currently uncertain.

Literature cited by the submitters: PubMed 30943211 (cited by Sema4).

NM_000551.4(VHL):c.131G>A (p.Gly44Asp)

Gene: VHL (von Hippel-Lindau tumor suppressor; plus strand). Cytogenetic location: 3p25.3.
Variant type: single nucleotide variant.
Coding change: c.131G>A on transcript NM_000551.4 (MANE Select); coding-DNA position 131, G replaced by A.
Protein change: p.Gly44Asp; replaces glycine 44 with aspartic acid.
Molecular consequence: missense variant.
Genome position (GRCh38, 1-based): chr3:10,141,978, G>A. VCF-style: chr3-10141978-G-A. GRCh37 (hg19) VCF-style: chr3-10183662-G-A.
Other names: c.131G>A, p.Gly44Asp (NM_001354723.2, NM_198156.3); short protein forms G44D.
Identifiers: ClinVar variation 1004248 (VCV001004248.9), dbSNP rs1056226386, ClinGen allele CA70042374.